The following is an entry in ClinVar:

NM_000410.4(HFE):c.920T>C (p.Ile307Thr)

Gene: HFE (homeostatic iron regulator; plus strand). Cytogenetic location: 6p22.2.
Variant type: single nucleotide variant.
Coding change: c.920T>C on transcript NM_000410.4 (MANE Select); coding-DNA position 920, T replaced by C.
Protein change: p.Ile307Thr; replaces isoleucine 307 with threonine.
Molecular consequence: missense variant.
Genome position (GRCh38, 1-based): chr6:26,093,146, T>C. VCF-style: chr6-26093146-T-C. GRCh37 (hg19) VCF-style: chr6-26093374-T-C.
Other names: c.920T>C, p.Ile307Thr (NM_001300749.3, NM_001384164.1); c.911T>C, p.Ile304Thr (NM_001406751.1); c.656T>C, p.Ile219Thr (NM_001406752.1, NM_139007.3); c.602T>C, p.Ile201Thr (NM_139003.3); c.644T>C, p.Ile215Thr (NM_139004.3); c.878T>C, p.Ile293Thr (NM_139006.3); c.614T>C, p.Ile205Thr (NM_139008.3); c.851T>C, p.Ile284Thr (NM_139009.3); and 2 more; short protein forms I205T, I284T, I307T, I127T, I201T, I35T, I219T, I293T.
Identifiers: ClinVar variation 4708964 (VCV004708964.1).

ClinVar aggregate classification (germline): Uncertain significance (1 of 4 stars; one submission).

Conditions:
Hereditary hemochromatosis (HFE). Identifiers: MedGen C0392514, MONDO:0006507. Disease mechanism: loss of function.

Submission:

Labcorp Genetics (formerly Invitae), Labcorp
Classification: Uncertain significance for Hereditary hemochromatosis. Last evaluated: 2026-01-11. Review status: criteria provided, single submitter. Criteria: Invitae Variant Classification Sherloc (09022015). Collection method: clinical testing. Allele origin: germline.
Comment: This sequence change replaces isoleucine, which is neutral and non-polar, with threonine, which is neutral and polar, at codon 307 of the HFE protein (p.Ile307Thr). This variant is present in population databases (rs771135070, gnomAD 0.002%). This variant has not been reported in the literature in individuals affected with HFE-related conditions. Invitae Evidence Modeling of protein sequence and biophysical properties (such as structural, functional, and spatial information, amino acid conservation, physicochemical variation, residue mobility, and thermodynamic stability) indicates that this missense variant is not expected to disrupt HFE protein function with a negative predictive value of 80%. In summary, the available evidence is currently insufficient to determine the role of this variant in disease. Therefore, it has been classified as a Variant of Uncertain Significance.